The following is an entry in ClinVar:

ClinVar aggregate classification (germline): Uncertain significance. Review status: criteria provided, multiple submitters, no conflicts (2 of 4 stars). 3 submissions from 3 submitters: Uncertain significance (3). Last evaluated 2025-07-29.

Conditions:
Inborn genetic diseases. Identifiers: MedGen C0950123, MeSH D030342.

Allele frequency attached by ClinVar (database versions not stated): gnomAD exomes below 0.00001; ExAC 0.00001.

Submissions (3):

GeneDx
Classification: Uncertain significance. Last evaluated: 2025-07-29. Review status: criteria provided, single submitter. Criteria: GeneDx Variant Classification Process June 2021. Collection method: clinical testing. Allele origin: germline. Affected: yes.
Comment: Not observed at significant frequency in large population cohorts (gnomAD); In silico analysis supports that this missense variant has a deleterious effect on protein structure/function; Has not been previously published as pathogenic or benign to our knowledge

Ambry Genetics
Classification: Uncertain significance for Inborn genetic diseases. Last evaluated: 2023-03-29. Review status: criteria provided, single submitter. Criteria: Ambry Variant Classification Scheme 2023. Collection method: clinical testing. Allele origin: germline.

Revvity Omics, Revvity
Classification: Uncertain significance. Last evaluated: 2020-06-26. Review status: criteria provided, single submitter. Criteria: ACMG Guidelines, 2015. Collection method: clinical testing. Allele origin: germline.

NM_000540.3(RYR1):c.12068T>C (p.Val4023Ala)

Gene: RYR1 (ryanodine receptor 1; plus strand). Cytogenetic location: 19q13.2.
Variant type: single nucleotide variant.
Coding change: c.12068T>C on transcript NM_000540.3 (MANE Select); coding-DNA position 12068, T replaced by C.
Protein change: p.Val4023Ala; replaces valine 4023 with alanine.
Molecular consequence: missense variant.
Genome position (GRCh38, 1-based): chr19:38,546,500, T>C. VCF-style: chr19-38546500-T-C. GRCh37 (hg19) VCF-style: chr19-39037140-T-C.
Other names: c.12053T>C, p.Val4018Ala (NM_001042723.2); short protein forms V4018A, V4023A.
Identifiers: ClinVar variation 2435537 (VCV002435537.6), dbSNP rs746753643, ClinGen allele CA058154.